The following is an entry in ClinVar:

NM_015662.3(IFT172):c.1855G>A (p.Glu619Lys)

Gene: IFT172 (intraflagellar transport 172; minus strand). Cytogenetic location: 2p23.3.
Variant type: single nucleotide variant.
Coding change: c.1855G>A on transcript NM_015662.3 (MANE Select); coding-DNA position 1855, G replaced by A.
Protein change: p.Glu619Lys; replaces glutamic acid 619 with lysine.
Molecular consequence: missense variant.
Genome position (GRCh38, 1-based): chr2:27,465,493, C>T on the plus strand (G>A on the coding strand, the complement: IFT172 is on the minus strand). VCF-style: chr2-27465493-C-T. GRCh37 (hg19) VCF-style: chr2-27688360-C-T.
Other names: c.1789G>A, p.Glu597Lys (NM_001410739.1); short protein forms E597K, E619K.
Identifiers: ClinVar variation 3347005 (VCV003347005.1).

ClinVar aggregate classification (germline): Uncertain significance (0 of 4 stars; one submission).

Conditions:
IFT172-related disorder. Also called: IFT172-related disorders; IFT172-related condition.

Submission:

PreventionGenetics, part of Exact Sciences
Classification: Uncertain significance for IFT172-related condition. Last evaluated: 2024-08-31. Review status: no assertion criteria provided. Collection method: clinical testing. Allele origin: germline.
Comment: The IFT172 c.1855G>A variant is predicted to result in the amino acid substitution p.Glu619Lys. To our knowledge, this variant has not been reported in the literature or in a large population database, indicating this variant is rare. At this time, the clinical significance of this variant is uncertain due to the absence of conclusive functional and genetic evidence.